The following is an entry in ClinVar:

NM_000435.3(NOTCH3):c.4737-7C>G

Gene: NOTCH3 (notch receptor 3; minus strand). Cytogenetic location: 19p13.12.
Variant type: single nucleotide variant.
Coding change: c.4737-7C>G on transcript NM_000435.3 (MANE Select); 7 bases into the intron before coding-DNA position 4737, C replaced by G.
Molecular consequence: intron variant.
Genome position (GRCh38, 1-based): chr19:15,170,832, G>C on the plus strand (C>G on the coding strand, the complement: NOTCH3 is on the minus strand). VCF-style: chr19-15170832-G-C. GRCh37 (hg19) VCF-style: chr19-15281643-G-C.
Identifiers: ClinVar variation 2684140 (VCV002684140.3), dbSNP rs1051059969, ClinGen allele CA305764497.
Genomic context (GRCh38, chr19:15,170,832, plus strand): 5'-TTCTCAGGCGACTGCAGGCAGAGCCGGTTGTCAATCTCCAGCATTACTACCGAGCTGCAG[G>C]GACAGCAGGGAGGGACCAGAGGGCTCAAAAATTGCCCGATGCACCCCCTGGTACCAAGCC-3'

ClinVar aggregate classification (germline): Uncertain significance. Review status: criteria provided, multiple submitters, no conflicts (2 of 4 stars). 2 submissions from 2 submitters: Uncertain significance (2). Last evaluated 2026-04-01.

gnomAD v4.1: 4 of 1,612,776 alleles (0.00025%); highest among the groups gnomAD compares: Non-Finnish European, 0.00034%; no homozygotes.

Submissions (2):

CeGaT Center for Human Genetics Tuebingen
Classification: Uncertain significance. Last evaluated: 2026-04-01. Review status: criteria provided, single submitter. Criteria: CeGaT Center For Human Genetics Tuebingen Variant Classification Criteria Version 2. Collection method: clinical testing. Allele origin: germline. Affected: yes. Observed: 1 variant allele.
Comment: NOTCH3: PM2, BP4

Athena Diagnostics
Classification: Uncertain significance. Last evaluated: 2023-01-24. Review status: criteria provided, single submitter. Criteria: Athena Diagnostics Criteria. Collection method: clinical testing. Allele origin: unknown.
Comment: Available data are insufficient to determine the clinical significance of the variant at this time. The frequency of this variant in the general population is uninformative in assessment of its pathogenicity. Computational tools yielded predictions that this variant may interfere with normal RNA splicing.